The following is an entry in ClinVar:

ClinVar aggregate classification (germline): Uncertain significance (1 of 4 stars; one submission).

Conditions:
DICER1-related tumor predisposition. Also called: DICER1-related pleuropulmonary blastoma cancer predisposition syndrome; DICER1 syndrome. Identifiers: Orphanet 284343, MedGen C3839822, MONDO:0100216.

Submission:

Labcorp Genetics (formerly Invitae), Labcorp
Classification: Uncertain significance for DICER1-related tumor predisposition. Last evaluated: 2023-01-20. Review status: criteria provided, single submitter. Criteria: Invitae Variant Classification Sherloc (09022015). Collection method: clinical testing. Allele origin: germline.
Comment: This variant is not present in population databases (gnomAD no frequency). In summary, the available evidence is currently insufficient to determine the role of this variant in disease. Therefore, it has been classified as a Variant of Uncertain Significance. Advanced modeling of protein sequence and biophysical properties (such as structural, functional, and spatial information, amino acid conservation, physicochemical variation, residue mobility, and thermodynamic stability) performed at Invitae indicates that this missense variant is not expected to disrupt DICER1 protein function. This variant has not been reported in the literature in individuals affected with DICER1-related conditions. This sequence change replaces phenylalanine, which is neutral and non-polar, with cysteine, which is neutral and slightly polar, at codon 867 of the DICER1 protein (p.Phe867Cys).

NM_177438.3(DICER1):c.2600T>G (p.Phe867Cys)

Gene: DICER1 (dicer 1, ribonuclease III; minus strand). Cytogenetic location: 14q32.13.
Variant type: single nucleotide variant.
Coding change: c.2600T>G on transcript NM_177438.3 (MANE Select); coding-DNA position 2600, T replaced by G.
Protein change: p.Phe867Cys; replaces phenylalanine 867 with cysteine.
Molecular consequence: missense variant. On other transcripts: non-coding transcript variant (6).
Genome position (GRCh38, 1-based): chr14:95,107,930, A>C on the plus strand (T>G on the coding strand, the complement: DICER1 is on the minus strand). VCF-style: chr14-95107930-A-C. GRCh37 (hg19) VCF-style: chr14-95574267-A-C.
Other names: c.2600T>G, p.Phe867Cys (NM_001195573.1, NM_001271282.3, NM_001291628.2 and 13 more transcripts); c.2318T>G, p.Phe773Cys (NM_001395686.1); c.2195T>G, p.Phe732Cys (NM_001395687.1, NM_001395688.1, NM_001395689.1 and 2 more transcripts); c.2033T>G, p.Phe678Cys (NM_001395691.1); c.917T>G, p.Phe306Cys (NM_001395697.1); short protein forms F773C, F306C, F867C, F678C, F732C.
Identifiers: ClinVar variation 2830654 (VCV002830654.3), dbSNP rs2542839119, ClinGen allele CA390881440.
Genomic context (GRCh38, chr14:95,107,930, plus strand): 5'-TTTTTCTTACCAACATTAAGAGGTAGAACACAGTATGCTGAATCAGCGTCTGTAGGTTTA[A>C]ATTCTAGTGCAGGTTTTTCAAGCCGAAGAATATGTGAGAATATATACTGGTGAAGTCTTG-3'
Protein context (NP_803187.1, residues 857-877): ILRLEKPALE[Phe867Cys]KPTDADSAYC